The following is an entry in ClinVar:

NM_005585.5(SMAD6):c.431C>T (p.Pro144Leu)

Gene: SMAD6 (SMAD family member 6; plus strand). Cytogenetic location: 15q22.31.
Variant type: single nucleotide variant.
Coding change: c.431C>T on transcript NM_005585.5 (MANE Select); coding-DNA position 431, C replaced by T.
Protein change: p.Pro144Leu; replaces proline 144 with leucine.
Molecular consequence: missense variant. On other transcripts: non-coding transcript variant (1).
Genome position (GRCh38, 1-based): chr15:66,703,689, C>T. VCF-style: chr15-66703689-C-T. GRCh37 (hg19) VCF-style: chr15-66996027-C-T.
Other names: c.431C>T (NM_005585.4); short protein forms P144L.
Identifiers: ClinVar variation 1379653 (VCV001379653.7), dbSNP rs574652189, ClinGen allele CA7626466.
Genomic context (GRCh38, chr15:66,703,689, plus strand): 5'-TGACCTGCTGTCTCTTTTCGGAGCGGGACGCCGCCGGCGCGCCCCGGGACGCCAGCGACC[C>T]CCTGGCCGGGGCGGCCCTGGAGCCGGCGGGCGGCGGGCGGAGTCGCGAAGCGCGCTCGCG-3'
Protein context (NP_005576.3, residues 134-154): AAGAPRDASD[Pro144Leu]LAGAALEPAG

ClinVar aggregate classification (germline): Uncertain significance. Review status: criteria provided, multiple submitters, no conflicts (2 of 4 stars). 2 submissions from 2 submitters: Uncertain significance (2). Last evaluated 2025-08-24.

Conditions:
Inborn genetic diseases. Identifiers: MedGen C0950123, MeSH D030342.
Aortic valve disease 2 (AOVD2). Identifiers: MedGen C3542024, MONDO:0013902, OMIM 614823.

Allele frequency attached by ClinVar (database versions not stated): gnomAD exomes 0.00003 and 0.00024; gnomAD 0.00018 and 0.00020; 1000 Genomes Project 0.00020; 1000 Genomes Project 30x 0.00031; ExAC 0.00196.
gnomAD v4.1: 58 of 1,252,974 alleles (0.0046%); highest among the groups gnomAD compares: African/African-American, 0.063%; no homozygotes.

Submissions (2):

Labcorp Genetics (formerly Invitae), Labcorp
Classification: Uncertain significance for Aortic valve disease 2. Last evaluated: 2025-08-24. Review status: criteria provided, single submitter. Criteria: Invitae Variant Classification Sherloc (09022015). Collection method: clinical testing. Allele origin: germline.
Comment: This sequence change replaces proline, which is neutral and non-polar, with leucine, which is neutral and non-polar, at codon 144 of the SMAD6 protein (p.Pro144Leu). This variant is present in population databases (rs574652189, gnomAD 0.2%). This variant has not been reported in the literature in individuals affected with SMAD6-related conditions. ClinVar contains an entry for this variant (Variation ID: 1379653). Invitae Evidence Modeling of protein sequence and biophysical properties (such as structural, functional, and spatial information, amino acid conservation, physicochemical variation, residue mobility, and thermodynamic stability) indicates that this missense variant is not expected to disrupt SMAD6 protein function with a negative predictive value of 80%. In summary, the available evidence is currently insufficient to determine the role of this variant in disease. Therefore, it has been classified as a Variant of Uncertain Significance.

Ambry Genetics
Classification: Uncertain significance for Inborn genetic diseases. Last evaluated: 2025-06-27. Review status: criteria provided, single submitter. Criteria: Ambry Variant Classification Scheme 2023. Collection method: clinical testing. Allele origin: germline.